The following is an entry in ClinVar:

ClinVar aggregate classification (germline): Uncertain significance. Review status: criteria provided, multiple submitters, no conflicts (2 of 4 stars). 2 submissions from 2 submitters: Uncertain significance (2). Last evaluated 2025-12-31.

Conditions:
Inborn genetic diseases. Identifiers: MedGen C0950123, MeSH D030342.

gnomAD v4.1: 2 of 1,612,332 alleles (0.00012%); highest among the groups gnomAD compares: Non-Finnish European, 0.00017%; no homozygotes.

Submissions (2):

Ambry Genetics
Classification: Uncertain significance for Inborn genetic diseases. Last evaluated: 2025-12-31. Review status: criteria provided, single submitter. Criteria: Ambry Variant Classification Scheme 2023. Collection method: clinical testing. Allele origin: germline.

Labcorp Genetics (formerly Invitae), Labcorp
Classification: Uncertain significance. Last evaluated: 2025-08-11. Review status: criteria provided, single submitter. Criteria: Invitae Variant Classification Sherloc (09022015). Collection method: clinical testing. Allele origin: germline.
Comment: This sequence change replaces arginine, which is basic and polar, with leucine, which is neutral and non-polar, at codon 1661 of the MYH9 protein (p.Arg1661Leu). This variant is not present in population databases (gnomAD no frequency). This variant has not been reported in the literature in individuals affected with MYH9-related conditions. Invitae Evidence Modeling of protein sequence and biophysical properties (such as structural, functional, and spatial information, amino acid conservation, physicochemical variation, residue mobility, and thermodynamic stability) indicates that this missense variant is not expected to disrupt MYH9 protein function with a negative predictive value of 80%. In summary, the available evidence is currently insufficient to determine the role of this variant in disease. Therefore, it has been classified as a Variant of Uncertain Significance.

NM_002473.6(MYH9):c.4982G>T (p.Arg1661Leu)

Gene: MYH9 (myosin heavy chain 9; minus strand). Cytogenetic location: 22q12.3.
Variant type: single nucleotide variant.
Coding change: c.4982G>T on transcript NM_002473.6 (MANE Select); coding-DNA position 4982, G replaced by T.
Protein change: p.Arg1661Leu; replaces arginine 1661 with leucine.
Molecular consequence: missense variant.
Genome position (GRCh38, 1-based): chr22:36,286,797, C>A on the plus strand (G>T on the coding strand, the complement: MYH9 is on the minus strand). VCF-style: chr22-36286797-C-A. GRCh37 (hg19) VCF-style: chr22-36682843-C-A.
Other names: c.4982G>T (NM_002473.4); short protein forms R1661L.
Identifiers: ClinVar variation 4695008 (VCV004695008.2).